The following is an entry in ClinVar:

ClinVar aggregate classification (germline): Conflicting classifications of pathogenicity. Review status: criteria provided, conflicting classifications (1 of 4 stars). 3 submissions from 3 submitters: Uncertain significance (2); Likely benign (1). Last evaluated 2025-12-11.

Conditions:
Singleton-Merten syndrome 1 (SGMRT1). Also called: Widened medullary cavities of bone, aortic calcification, abnormal dentition, and muscular weakness; Syndrome of widened medullary cavities of the metacarpals and phalanges, aortic calcification and abnormal dentition. Identifiers: Orphanet 85191, MedGen C4225427, MONDO:0024535, OMIM 182250.
Aicardi-Goutieres syndrome 7 (AGS7). Identifiers: Orphanet 51, MedGen C3888244, MONDO:0014367, OMIM 615846.

Allele frequency attached by ClinVar (database versions not stated): TOPMed 0.00008.
gnomAD v4.1: 221 of 1,603,042 alleles (0.014%); highest among the groups gnomAD compares: Non-Finnish European, 0.017%; no homozygotes.

Submissions (3):

Labcorp Genetics (formerly Invitae), Labcorp
Classification: Likely benign for Aicardi-Goutieres syndrome 7; Singleton-Merten syndrome 1. Last evaluated: 2025-12-11. Review status: criteria provided, single submitter. Criteria: Invitae Variant Classification Sherloc (09022015). Collection method: clinical testing. Allele origin: germline.

GeneDx
Classification: Uncertain significance. Last evaluated: 2021-05-21. Review status: criteria provided, single submitter. Criteria: GeneDx Variant Classification Process June 2021. Collection method: clinical testing. Allele origin: germline. Affected: yes.
Comment: In silico analysis supports that this missense variant does not alter protein structure/function; Has not been previously published as pathogenic or benign to our knowledge

Genomic Diagnostic Laboratory, Division of Genomic Diagnostics, Children's Hospital of Philadelphia
Classification: Uncertain significance. Last evaluated: 2015-06-25. Review status: criteria provided, single submitter. Criteria: DGD Variant Analysis Guidelines. Collection method: clinical testing. Allele origin: unknown.

NM_022168.4(IFIH1):c.2067G>T (p.Arg689Ser)

Gene: IFIH1 (interferon induced with helicase C domain 1; minus strand). Cytogenetic location: 2q24.2.
Variant type: single nucleotide variant.
Coding change: c.2067G>T on transcript NM_022168.4 (MANE Select); coding-DNA position 2067, G replaced by T.
Protein change: p.Arg689Ser; replaces arginine 689 with serine.
Molecular consequence: missense variant.
Genome position (GRCh38, 1-based): chr2:162,276,924, C>A on the plus strand (G>T on the coding strand, the complement: IFIH1 is on the minus strand). VCF-style: chr2-162276924-C-A. GRCh37 (hg19) VCF-style: chr2-163133434-C-A.
Other names: c.2067G>T, p.Arg689Ser (LRG_1235t1); short protein forms R689S.
Identifiers: ClinVar variation 218794 (VCV000218794.11), dbSNP rs376420466, ClinGen allele CA249244.